The following is an entry in ClinVar:

NM_001098577.3(RPL31):c.359del (p.Asn120fs)

Genes: RPL31 (ribosomal protein L31; plus strand), TBC1D8 (TBC1 domain family member 8; minus strand). Cytogenetic location: 2q11.2.
Variant type: Deletion.
Coding change: c.359del on transcript NM_001098577.3; coding-DNA position 359, one base deleted (A; older notation c.359delA).
Protein change: p.Asn120fs; shifts the reading frame from asparagine 120.
Molecular consequence: frameshift variant. On other transcripts: intron variant (2).
Genome position (GRCh38, 1-based): chr2:101,019,010, A deleted; the last of 3 consecutive A bases (chr2:101,019,008-101,019,010); deleting any one gives the same sequence. VCF-style (leftmost placement, unchanged base first): chr2-101019007-TA-T. GRCh37 (hg19) VCF-style: chr2-101635469-TA-T.
Other names: c.2782+2673del (NM_001102426.3); c.2827+2673del (NM_001330348.2); short protein forms N120fs.
Identifiers: ClinVar variation 1973977 (VCV001973977.6), dbSNP rs773286932, ClinGen allele CA1804538.

ClinVar aggregate classification (germline): Uncertain significance. Review status: criteria provided, multiple submitters, no conflicts (2 of 4 stars). 2 submissions from 2 submitters: Uncertain significance (2). Last evaluated 2026-04-09.

Conditions:
RPL31-related condition.

Submissions (2):

PreventionGenetics, part of Exact Sciences
Classification: Uncertain significance for RPL31-related condition. Last evaluated: 2026-04-09. Review status: criteria provided, single submitter. Criteria: ACMG Guidelines, 2015. Collection method: clinical testing. Allele origin: germline.
Comment: The RPL31 c.359delA variant is predicted to result in a frameshift and premature protein termination (p.Asn120Thrfs*18). To our knowledge, this variant has not been reported in the literature. This variant is reported in 0.0084% of alleles in individuals of African descent in gnomAD. Loss of function has not been conclusively established as a mechanism for RPL31-related disorders. At this time, the clinical significance of this variant is uncertain due to the absence of conclusive functional and genetic evidence.

Labcorp Genetics (formerly Invitae), Labcorp
Classification: Uncertain significance. Last evaluated: 2024-09-23. Review status: criteria provided, single submitter. Criteria: Invitae Variant Classification Sherloc (09022015). Collection method: clinical testing. Allele origin: germline.
Comment: This sequence change results in a frameshift in the RPL31 gene (p.Asn120Thrfs*18). While this is not anticipated to result in nonsense mediated decay, it is expected to disrupt the last 9 amino acid(s) of the RPL31 protein and extend the protein by 8 additional amino acid residues. This variant is present in population databases (rs773286932, gnomAD 0.008%). This variant has not been reported in the literature in individuals affected with RPL31-related conditions. ClinVar contains an entry for this variant (Variation ID: 1973977). Experimental studies and prediction algorithms are not available or were not evaluated, and the functional significance of this variant is currently unknown. In summary, the available evidence is currently insufficient to determine the role of this variant in disease. Therefore, it has been classified as a Variant of Uncertain Significance.